The following is an entry in ClinVar:

ClinVar aggregate classification (germline): Likely pathogenic (1 of 4 stars; one submission).

Submission:

GeneDx
Classification: Likely pathogenic. Last evaluated: 2023-08-15. Review status: criteria provided, single submitter. Criteria: GeneDx Variant Classification Process June 2021. Collection method: clinical testing. Allele origin: germline. Affected: yes.
Comment: Frameshift variant predicted to result in protein truncation or nonsense mediated decay in a gene for which loss of function is a known mechanism of disease; Not observed at significant frequency in large population cohorts (gnomAD); Has not been previously published as pathogenic or benign to our knowledge

NM_001080.3(ALDH5A1):c.375delinsTGGTACAATTTAATGATACA (p.Arg125_Lys126insGlyThrIleTer)

Gene: ALDH5A1 (aldehyde dehydrogenase 5 family member A1; plus strand). Cytogenetic location: 6p22.3.
Variant type: Indel.
Coding change: c.375delinsTGGTACAATTTAATGATACA on transcript NM_001080.3 (MANE Select); coding-DNA position 375, G replaced by TGGTACAATTTAATGATACA.
Protein change: p.Arg125_Lys126insGlyThrIleTer.
Molecular consequence: nonsense, inframe insertion.
Genome position (GRCh38, 1-based): chr6:24,502,543, G replaced by TGGTACAATTTAATGATACA. VCF-style: chr6-24502543-G-TGGTACAATTTAATGATACA. GRCh37 (hg19) VCF-style: chr6-24502771-G-TGGTACAATTTAATGATACA.
Other names: c.375delinsTGGTACAATTTAATGATACA, p.Arg125_Lys126insGlyThrIleTer (NM_001368954.1, NM_170740.1).
Identifiers: ClinVar variation 2576936 (VCV002576936.1), dbSNP rs2532830901, ClinGen allele CA2580614846.